The following is an entry in ClinVar:

ClinVar aggregate classification (germline): Conflicting classifications of pathogenicity. Review status: criteria provided, conflicting classifications (1 of 4 stars). 3 submissions from 3 submitters: Uncertain significance (1); Benign (2). Last evaluated 2018-01-13.

Conditions:
Sterile multifocal osteomyelitis with periostitis and pustulosis. Also called: CHRONIC RECURRENT MULTIFOCAL OSTEOMYELITIS 2, WITH PERIOSTITIS AND PUSTULOSIS. Identifiers: Orphanet 210115, MedGen C2748507, MONDO:0013021, OMIM 612852.
Autoinflammatory syndrome. Identifiers: Orphanet 93665, MedGen C3890737, MONDO:0019751.

Allele frequency attached by ClinVar (database versions not stated): 1000 Genomes Project 0.01877; 1000 Genomes Project 30x 0.01999; gnomAD 0.02647 and 0.02697; TOPMed 0.02734; gnomAD exomes 0.03498.
gnomAD v4.1: 23,593 of 708,662 alleles (3.3%); highest among the groups gnomAD compares: Middle Eastern, 6.8%; 534 homozygotes.

Submissions (3):

Illumina Laboratory Services, Illumina
Classification: Benign for Sterile multifocal osteomyelitis with periostitis and pustulosis. Last evaluated: 2018-01-13. Review status: criteria provided, single submitter. Criteria: ICSL Variant Classification Criteria 13 December 2019. Collection method: clinical testing. Allele origin: germline.
Comment: This variant was observed in the ICSL laboratory as part of a predisposition screen in an ostensibly healthy population. It had not been previously curated by ICSL or reported in the Human Gene Mutation Database (HGMD: prior to June 1st, 2018), and was therefore a candidate for classification through an automated scoring system. Utilizing variant allele frequency, disease prevalence and penetrance estimates, and inheritance mode, an automated score was calculated to assess if this variant is too frequent to cause the disease. Based on the score and internal cut-off values, a variant classified as benign is not then subjected to further curation. The score for this variant resulted in a classification of benign for this disease.

Genome Diagnostics Laboratory, The Hospital for Sick Children
Classification: Uncertain significance for Autoinflammatory syndrome. Last evaluated: 2017-01-10. Review status: criteria provided, single submitter. Criteria: ACMG Guidelines, 2015. Collection method: clinical testing. Allele origin: germline. Affected: yes.

Breakthrough Genomics
Classification: Benign. Review status: criteria provided, single submitter. Criteria: ACMG Guidelines, 2015. Collection method: not provided. Allele origin: germline. Inheritance: Autosomal recessive inheritance. Affected: yes.

NM_173842.3(IL1RN):c.*162C>T

Gene: IL1RN (interleukin 1 receptor antagonist; plus strand). Cytogenetic location: 2q14.1.
Variant type: single nucleotide variant.
Coding change: c.*162C>T on transcript NM_173842.3 (MANE Select); 162 bases downstream of the stop codon, C replaced by T.
Molecular consequence: 3 prime UTR variant.
Genome position (GRCh38, 1-based): chr2:113,133,033, C>T. VCF-style: chr2-113133033-C-T. GRCh37 (hg19) VCF-style: chr2-113890610-C-T.
Other names: c.*162C>T (NM_000577.5, NM_001318914.2, NM_001379360.1 and 2 more transcripts).
Identifiers: ClinVar variation 330833 (VCV000330833.9), dbSNP rs4252041, ClinGen allele CA10611848.
Genomic context (GRCh38, chr2:113,133,033, plus strand): 5'-AGCCATTGAGGGGTGGACCCTCAGAAGGCGTCACAACAACCTGGTCACAGGACTCTGCCT[C>T]CTCTTCAACTGACCAGCCTCCATGCTGCCTCCAGAATGGTCTTTCTAATGTGTGAATCAG-3'